The following is an entry in ClinVar:

NM_005732.4(RAD50):c.690G>C (p.Lys230Asn)

Gene: RAD50 (RAD50 double strand break repair protein; plus strand). Cytogenetic location: 5q31.1.
Variant type: single nucleotide variant.
Coding change: c.690G>C on transcript NM_005732.4 (MANE Select); coding-DNA position 690, G replaced by C.
Protein change: p.Lys230Asn; replaces lysine 230 with asparagine.
Molecular consequence: missense variant.
Genome position (GRCh38, 1-based): chr5:132,580,000, G>C. VCF-style: chr5-132580000-G-C. GRCh37 (hg19) VCF-style: chr5-131915692-G-C.
Other names: short protein forms K230N.
Identifiers: ClinVar variation 1756114 (VCV001756114.2), dbSNP rs2479617614, ClinGen allele CA360936561.

ClinVar aggregate classification (germline): Uncertain significance (1 of 4 stars; one submission).

Conditions:
Hereditary cancer-predisposing syndrome. Also called: Neoplastic Syndromes, Hereditary; Tumor predisposition; Hereditary Cancer Syndrome; Hereditary neoplastic syndrome. Identifiers: Orphanet 140162, MedGen C0027672, MeSH D009386, MONDO:0015356.

Submission:

Ambry Genetics
Classification: Uncertain significance for Hereditary cancer-predisposing syndrome. Last evaluated: 2022-06-30. Review status: criteria provided, single submitter. Criteria: Ambry Variant Classification Scheme 2023. Collection method: clinical testing. Allele origin: germline.
Comment: The p.K230N variant (also known as c.690G>C), located in coding exon 5 of the RAD50 gene, results from a G to C substitution at nucleotide position 690. The lysine at codon 230 is replaced by asparagine, an amino acid with similar properties. This amino acid position is conserved. In addition, this alteration is predicted to be tolerated by in silico analysis. Since supporting evidence is limited at this time, the clinical significance of this alteration remains unclear.